The following is an entry in ClinVar:

ClinVar aggregate classification (germline): Uncertain significance (1 of 4 stars; one submission).

Conditions:
Familial adenomatous polyposis 1 (FAP1). Also called: POLYPOSIS, ADENOMATOUS INTESTINAL; FAMILIAL ADENOMATOUS POLYPOSIS 1, ATTENUATED. Identifiers: MedGen C2713442, MONDO:0021056, OMIM 175100. Disease mechanism: loss of function.

Submission:

Labcorp Genetics (formerly Invitae), Labcorp
Classification: Uncertain significance for Familial adenomatous polyposis 1. Last evaluated: 2025-07-30. Review status: criteria provided, single submitter. Criteria: Invitae Variant Classification Sherloc (09022015). Collection method: clinical testing. Allele origin: germline.
Comment: This sequence change replaces lysine, which is basic and polar, with glutamic acid, which is acidic and polar, at codon 603 of the APC protein (p.Lys603Glu). This variant is not present in population databases (gnomAD no frequency). This variant has not been reported in the literature in individuals affected with APC-related conditions. ClinVar contains an entry for this variant (Variation ID: 1051315). Invitae Evidence Modeling of protein sequence and biophysical properties (such as structural, functional, and spatial information, amino acid conservation, physicochemical variation, residue mobility, and thermodynamic stability) indicates that this missense variant is not expected to disrupt APC protein function with a negative predictive value of 95%. In summary, the available evidence is currently insufficient to determine the role of this variant in disease. Therefore, it has been classified as a Variant of Uncertain Significance.

NM_000038.6(APC):c.1807A>G (p.Lys603Glu)

Gene: APC (APC regulator of Wnt signaling pathway; plus strand). Cytogenetic location: 5q22.2.
Variant type: single nucleotide variant.
Coding change: c.1807A>G on transcript NM_000038.6 (MANE Select); coding-DNA position 1807, A replaced by G.
Protein change: p.Lys603Glu; replaces lysine 603 with glutamic acid.
Molecular consequence: missense variant.
Genome position (GRCh38, 1-based): chr5:112,835,014, A>G. VCF-style: chr5-112835014-A-G. GRCh37 (hg19) VCF-style: chr5-112170711-A-G.
Other names: c.1807A>G, p.Lys603Glu (NM_001127510.3, NM_001354895.2); c.1753A>G, p.Lys585Glu (NM_001127511.3); c.1861A>G, p.Lys621Glu (NM_001354896.2); c.1837A>G, p.Lys613Glu (NM_001354897.2); c.1732A>G, p.Lys578Glu (NM_001354898.2); c.1723A>G, p.Lys575Glu (NM_001354899.2); c.1684A>G, p.Lys562Glu (NM_001354900.2); c.1630A>G, p.Lys544Glu (NM_001354901.2); and 5 more; short protein forms K320E, K443E, K477E, K502E, K512E, K544E, K562E, K575E.
Identifiers: ClinVar variation 1051315 (VCV001051315.48), dbSNP rs2149841745, ClinGen allele CA16025275.